The following is an entry in ClinVar:

NM_001035.3(RYR2):c.3038G>A (p.Arg1013Gln)

Gene: RYR2 (ryanodine receptor 2; plus strand). Cytogenetic location: 1q43.
Variant type: single nucleotide variant.
Coding change: c.3038G>A on transcript NM_001035.3 (MANE Select); coding-DNA position 3038, G replaced by A.
Protein change: p.Arg1013Gln; replaces arginine 1013 with glutamine.
Molecular consequence: missense variant.
Genome position (GRCh38, 1-based): chr1:237,548,562, G>A. VCF-style: chr1-237548562-G-A. GRCh37 (hg19) VCF-style: chr1-237711862-G-A.
Other names: p.R1013Q:CGG>CAG; short protein forms R1013Q.
Identifiers: ClinVar variation 161381 (VCV000161381.86), dbSNP rs149514924, ClinGen allele CA009033.
Genomic context (GRCh38, chr1:237,548,562, plus strand): 5'-AAGCAATGGTGGACAAGTTGGCAGAAAATGCACATAATGTGTGGGCGCGGGATCGAATCC[G>A]GCAGGGCTGGACTTATGGCATCCAACAGGTACATGGGAATTAGCATTTGGTCTGAGACTT-3'
Protein context (NP_001026.2, residues 1003-1023): AHNVWARDRI[Arg1013Gln]QGWTYGIQQD

ClinVar aggregate classification (germline): Conflicting classifications of pathogenicity. Review status: criteria provided, conflicting classifications (1 of 4 stars). 17 submissions from 16 submitters: Uncertain significance (6); Benign (2); Likely benign (8). 1 of the submissions does not count toward it. Last evaluated 2026-02-04.

Conditions:
Cardiovascular phenotype. Identifiers: MedGen CN230736.
Cardiomyopathy (CMYO). Also called: Cardiomyopathies. Identifiers: Orphanet 167848, MedGen C0878544, MONDO:0004994, HP:0001638. Inheritance: Various modes of inheritance.
Catecholaminergic polymorphic ventricular tachycardia 1. Also called: RYR2-Related Catecholaminergic Polymorphic Ventricular Tachycardia; VENTRICULAR TACHYCARDIA, CATECHOLAMINERGIC POLYMORPHIC, 1, WITH OR WITHOUT ATRIAL DYSFUNCTION AND/OR DILATED CARDIOMYOPATHY; VENTRICULAR TACHYCARDIA, STRESS-INDUCED POLYMORPHIC 1. Identifiers: Orphanet 3286, MedGen C1631597, MONDO:0011484, OMIM 604772.
Arrhythmogenic right ventricular dysplasia 2. Identifiers: MedGen C1832931.

Allele frequency attached by ClinVar (database versions not stated): 1000 Genomes Project 0.00040; 1000 Genomes Project 30x 0.00047; gnomAD 0.00063; TOPMed 0.00074; ESP Exome Variant Server 0.00091.
gnomAD v4.1: 2,315 of 1,613,962 alleles (0.14%); highest among the groups gnomAD compares: Non-Finnish European, 0.19%; 10 homozygotes.

Submissions (17):

Labcorp Genetics (formerly Invitae), Labcorp
Classification: Likely benign for Catecholaminergic polymorphic ventricular tachycardia 1. Last evaluated: 2026-02-04. Review status: criteria provided, single submitter. Criteria: Invitae Variant Classification Sherloc (09022015). Collection method: clinical testing. Allele origin: germline.

Molecular Diagnostic Laboratory for Inherited Cardiovascular Disease, Montreal Heart Institute
Classification: Likely benign. Last evaluated: 2025-04-08. Review status: criteria provided, single submitter. Criteria: ACMG Guidelines, 2015. Collection method: clinical testing. Allele origin: germline. Affected: no.

Blueprint Genetics
Classification: Likely benign. Last evaluated: 2024-11-06. Review status: criteria provided, single submitter. Criteria: ACMG Guidelines, 2015. Collection method: clinical testing. Allele origin: germline.

Victorian Clinical Genetics Services, Murdoch Childrens Research Institute
Classification: Likely benign for Catecholaminergic polymorphic ventricular tachycardia 1. Last evaluated: 2024-10-11. Review status: criteria provided, single submitter. Criteria: ACMG Guidelines, 2015. Collection method: clinical testing. Allele origin: germline. Inheritance: Autosomal dominant inheritance.
Comment: Based on the classification scheme VCGS_Germline_v1.3.5, this variant is classified as Likely benign. Following criteria are met: 0103 - Dominant negative and gain of function are known mechanisms of disease in this gene and are associated with catecholaminergic polymorphic ventricular tachycardia 1 (MIM#604772) and left ventricular non-compaction (PMIDs: 12459180, 27646203, 29477366, 31875585, 33500567). Loss of function has been reported for ventricular arrhythmias due to cardiac ryanodine receptor calcium release deficiency syndrome (MIM#115000), however dominant negative mechanism has not been excluded (PMID: 33536282). (I) 0107 - This gene is associated with autosomal dominant disease. (I) 0112 - The condition associated with this gene has incomplete penetrance. Penetrance for CPVT is estimated to be 60-70% (PMID: 23549275). (I) 0200 - Variant is predicted to result in a missense amino acid change from arginine to glutamine. (I) 0251 - This variant is heterozygous. (I) 0309 - Multiple alternative amino acid changes at the same position have been observed in gnomAD (4) (highest allele count: 31 heterozygotes, 0 homozygotes). (I) 0310 - Variant is present in gnomAD >=0.001 and <0.01 for a dominant condition (2295 heterozygotes, 10 homozygotes). (I) 0502 - Missense variant with conflicting in silico predictions and uninformative conservation. (I) 0600 - Variant is located in the annotated RyR domain (DECIPHER). (I) 0710 - Other missense variant(s) comparable to the one identified in this case have inconclusive previous evidence for pathogenicity. p.(Arg1013Leu) has been reported once as a VUS (ClinVar). p.(Arg1013Trp) has been reported seven times as a VUS (ClinVar). (I) 0808 - 0808 - Previous reports of pathogenicity for this variant are conflicting. This variant has been reported twice as benign, four times as likely benign and eight times as a VUS (ClinVar). It has also been reported as a VUS and benign in individuals with catecholaminergic polymorphic ventricular tachycardia (CPVT) (PMID:34546463, 38691546), and as VUS and likely benign/benign in patients with conflicting phenotypes (PMID: 38489124, 27231019, 19926015, 21964171). (I) 1208 - Inheritance information for this variant is not currently available in this individual. (I) Legend: (SP) - Supporting pathogenic, (I) - Information, (SB) - Supporting benign

ARUP Laboratories, Molecular Genetics and Genomics, ARUP Laboratories
Classification: Likely benign. Last evaluated: 2024-05-17. Review status: criteria provided, single submitter. Criteria: ARUP Molecular Germline Variant Investigation Process 2024. Collection method: clinical testing. Allele origin: germline.

Mendelics
Classification: Benign for Catecholaminergic polymorphic ventricular tachycardia 1. Last evaluated: 2023-08-22. Review status: criteria provided, single submitter. Criteria: Mendelics Assertion Criteria 2019. Collection method: clinical testing. Allele origin: germline.

GeneDx
Classification: Likely benign. Last evaluated: 2020-09-30. Review status: criteria provided, single submitter. Criteria: GeneDx Variant Classification Process June 2021. Collection method: clinical testing. Allele origin: germline. Affected: yes.
Comment: This variant is associated with the following publications: (PMID: 26332594, 23396983, 24055113, 24025405, 25637381, 25608792, 23204524, 25351510, 21964171, 19926015, 27538377, 27231019, 27153395, 28404607, 28492532, 25163546, 26899768, 31112425, 30847666)

Color Diagnostics, LLC DBA Color Health
Classification: Likely benign for Cardiomyopathy. Last evaluated: 2019-11-18. Review status: criteria provided, single submitter. Criteria: ACMG Guidelines, 2015. Collection method: clinical testing. Allele origin: germline.

Ambry Genetics
Classification: Likely benign for Cardiovascular phenotype. Last evaluated: 2019-05-03. Review status: criteria provided, single submitter. Criteria: Ambry Variant Classification Scheme 2023. Collection method: clinical testing. Allele origin: germline.

Illumina Laboratory Services, Illumina
Classification: Uncertain significance for Catecholaminergic polymorphic ventricular tachycardia 1. Last evaluated: 2019-01-18. Review status: criteria provided, single submitter. Criteria: ICSL Variant Classification Criteria 13 December 2019. Collection method: clinical testing. Allele origin: germline.

Illumina Laboratory Services, Illumina
Classification: Uncertain significance for Catecholaminergic polymorphic ventricular tachycardia 1. Last evaluated: 2019-01-18. Review status: criteria provided, single submitter. Criteria: ICSL Variant Classification Criteria 13 December 2019. Collection method: clinical testing. Allele origin: germline.
Comment: This variant was observed as part of a predisposition screen in an ostensibly healthy population. A literature search was performed for the gene, cDNA change, and amino acid change (where applicable). Publications were found based on this search. However, the evidence from the literature, in combination with allele frequency data from public databases where available, was not sufficient to rule this variant in or out of causing disease. Therefore, this variant is classified as a variant of unknown significance.

Laboratory for Molecular Medicine, Mass General Brigham Personalized Medicine
Classification: Uncertain significance. Last evaluated: 2018-11-16. Review status: criteria provided, single submitter. Criteria: LMM Criteria. Collection method: clinical testing. Allele origin: germline. Observed: 1 variant allele.
Comment: Disclaimer: This variant has not undergone full assessment. The following are pr eliminary notes: Computational tools suggest impact to protein. MAF 0.07%. Frequ ency too high for gene/disease (RYR2/CPVT).

CHEO Genetics Diagnostic Laboratory, Children's Hospital of Eastern Ontario
Classification: Uncertain significance for Cardiomyopathy. Last evaluated: 2017-12-05. Review status: criteria provided, single submitter. Criteria: ACMG Guidelines, 2015. Collection method: clinical testing. Allele origin: germline.

Women's Health and Genetics/Laboratory Corporation of America, LabCorp
Classification: Benign. Last evaluated: 2017-07-17. Review status: criteria provided, single submitter. Criteria: LabCorp Variant Classification Summary - May 2015. Collection method: clinical testing. Allele origin: germline.
Comment: Variant summary: The c.3038G>A (p.Arg1013Gln) in RYR2 gene is a missense change that involves the alteration of a mildly conserved nucleotide and 2/4 in silico tools predict benign outcome. The variant falls within one of the four RyR domains, however no functional studies confirming deleterious effect of the variant on the protein function were published at the time of evaluation. The variant was observed in the large and broad cohorts of the ExAC project at an allele frequency of 0.00045 (55/120324 chrs tested), predominantly in individuals of European ancestry (0.00069; 46/66538 chrs tested). This frequency exceeds the maximal expected allele frequency for a pathogenic variant in this gene (0.0000063). The pathogenicity of the variant was also questioned by recent reports (Olfson, 2015; Paludan-Mller, 2017), where authors indicate that prevalence of the variant in general population is higher than expected for the disorder. The variant was reported in at least one CPVT pt without strong evidence for causality. Lastly, several reputable databases/diagnostic centers classified the variant of interest as VUS. Taking together, based on the prevalence in general population the variant was classified as Benign.

CeGaT Center for Human Genetics Tuebingen
Classification: Uncertain significance. Last evaluated: 2016-12-01. Review status: criteria provided, single submitter. Criteria: CeGaT Center For Human Genetics Tuebingen Variant Classification Criteria Version 2. Collection method: clinical testing. Allele origin: germline. Affected: yes. Observed: 1 variant allele.

Eurofins Ntd Llc (ga)
Classification: Uncertain significance. Last evaluated: 2016-07-14. Review status: criteria provided, single submitter. Criteria: EGL Classification Definitions 2015. Collection method: clinical testing. Allele origin: germline. Observed: 1 variant allele, 1 heterozygote.

CSER _CC_NCGL, University of Washington
Classification: Uncertain significance for Catecholaminergic polymorphic ventricular tachycardia. Last evaluated: 2014-06-01. Review status: no assertion criteria provided. Collection method: research. Allele origin: germline. Inheritance: Autosomal dominant inheritance. Study: ESP 6500 variant annotation. Not counted in ClinVar's aggregate classification.
Comment: Variants classified for the Actionable exomic incidental findings in 6503 participants: challenges of variant classification manuscript

Literature cited by the submitters: PubMed 12459180 (cited by Victorian Clinical Genetics Services, Murdoch Childrens Research Institute); PubMed 19926015 (cited by 5 submitters); PubMed 21964171 (cited by 5 submitters); PubMed 23549275 (cited by Victorian Clinical Genetics Services, Murdoch Childrens Research Institute); PubMed 27231019 (cited by Victorian Clinical Genetics Services, Murdoch Childrens Research Institute and Ambry Genetics); PubMed 27646203 (cited by Victorian Clinical Genetics Services, Murdoch Childrens Research Institute); PubMed 29477366 (cited by Victorian Clinical Genetics Services, Murdoch Childrens Research Institute); PubMed 31875585 (cited by Victorian Clinical Genetics Services, Murdoch Childrens Research Institute); PubMed 33500567 (cited by Victorian Clinical Genetics Services, Murdoch Childrens Research Institute); PubMed 33536282 (cited by Victorian Clinical Genetics Services, Murdoch Childrens Research Institute); PubMed 34546463 (cited by Victorian Clinical Genetics Services, Murdoch Childrens Research Institute); PubMed 38489124 (cited by Victorian Clinical Genetics Services, Murdoch Childrens Research Institute); PubMed 38691546 (cited by Victorian Clinical Genetics Services, Murdoch Childrens Research Institute); PubMed 24025405 (cited by Ambry Genetics and Laboratory for Molecular Medicine, Mass General Brigham Personalized Medicine); PubMed 24055113 (cited by Ambry Genetics and Women's Health and Genetics/Laboratory Corporation of America, LabCorp); PubMed 25351510 (cited by Ambry Genetics); PubMed 25637381 (cited by Ambry Genetics and Women's Health and Genetics/Laboratory Corporation of America, LabCorp); PubMed 26332594 (cited by Ambry Genetics and Women's Health and Genetics/Laboratory Corporation of America, LabCorp); PubMed 27153395 (cited by Ambry Genetics); PubMed 23204524 (cited by Illumina Laboratory Services, Illumina); PubMed 26899768 (cited by Women's Health and Genetics/Laboratory Corporation of America, LabCorp); PubMed 23396983 (cited by Women's Health and Genetics/Laboratory Corporation of America, LabCorp); PubMed 25163546 (cited by Women's Health and Genetics/Laboratory Corporation of America, LabCorp).